The following is an entry in ClinVar:

NM_001134363.3(RBM20):c.2476A>C (p.Asn826His)

Gene: RBM20 (RNA binding motif protein 20; plus strand). Cytogenetic location: 10q25.2.
Variant type: single nucleotide variant.
Coding change: c.2476A>C on transcript NM_001134363.3 (MANE Select); coding-DNA position 2476, A replaced by C.
Protein change: p.Asn826His; replaces asparagine 826 with histidine.
Molecular consequence: missense variant.
Genome position (GRCh38, 1-based): chr10:110,812,873, A>C. VCF-style: chr10-110812873-A-C. GRCh37 (hg19) VCF-style: chr10-112572631-A-C.
Other names: c.2476A>C (NM_001134363.1); short protein forms N826H.
Identifiers: ClinVar variation 847384 (VCV000847384.10), dbSNP rs1844793217, ClinGen allele CA378374335.

ClinVar aggregate classification (germline): Uncertain significance. Review status: criteria provided, multiple submitters, no conflicts (2 of 4 stars). 2 submissions from 2 submitters: Uncertain significance (2). Last evaluated 2024-04-04.

Conditions:
Cardiovascular phenotype. Identifiers: MedGen CN230736.
Dilated cardiomyopathy 1DD (CMD1DD). Identifiers: Orphanet 154, MedGen C2750995, MONDO:0013168, OMIM 613172.

Allele frequency attached by ClinVar (database versions not stated): gnomAD 0.00001; gnomAD exomes 0.00001.
gnomAD v4.1: 11 of 1,479,560 alleles (0.00074%); highest among the groups gnomAD compares: Non-Finnish European, 0.00098%; no homozygotes.

Submissions (2):

Ambry Genetics
Classification: Uncertain significance for Cardiovascular phenotype. Last evaluated: 2024-04-04. Review status: criteria provided, single submitter. Criteria: Ambry Variant Classification Scheme 2023. Collection method: clinical testing. Allele origin: germline.
Comment: The p.N826H variant (also known as c.2476A>C), located in coding exon 9 of the RBM20 gene, results from an A to C substitution at nucleotide position 2476. The asparagine at codon 826 is replaced by histidine, an amino acid with similar properties. This amino acid position is conserved. In addition, this alteration is predicted to be tolerated by in silico analysis. Based on the available evidence, the clinical significance of this variant remains unclear.

Labcorp Genetics (formerly Invitae), Labcorp
Classification: Uncertain significance for Dilated cardiomyopathy 1DD. Last evaluated: 2019-05-16. Review status: criteria provided, single submitter. Criteria: Invitae Variant Classification Sherloc (09022015). Collection method: clinical testing. Allele origin: germline.
Comment: In summary, the available evidence is currently insufficient to determine the role of this variant in disease. Therefore, it has been classified as a Variant of Uncertain Significance. Algorithms developed to predict the effect of missense changes on protein structure and function are either unavailable or do not agree on the potential impact of this missense change (SIFT: "Deleterious"; PolyPhen-2: "Benign"; Align-GVGD: "Class C0"). This variant has not been reported in the literature in individuals with RBM20-related conditions. The frequency data for this variant in the population databases is considered unreliable, as metrics indicate insufficient coverage at this position in the ExAC database. This sequence change replaces asparagine with histidine at codon 826 of the RBM20 protein (p.Asn826His). The asparagine residue is highly conserved and there is a small physicochemical difference between asparagine and histidine.